The following is an entry in ClinVar:

NM_003190.5(TAPBP):c.913G>T (p.Ala305Ser)

Gene: TAPBP (TAP binding protein; minus strand). Cytogenetic location: 6p21.32.
Variant type: single nucleotide variant.
Coding change: c.913G>T on transcript NM_003190.5 (MANE Select); coding-DNA position 913, G replaced by T.
Protein change: p.Ala305Ser; replaces alanine 305 with serine.
Molecular consequence: missense variant.
Genome position (GRCh38, 1-based): chr6:33,304,594, C>A on the plus strand (G>T on the coding strand, the complement: TAPBP is on the minus strand). VCF-style: chr6-33304594-C-A. GRCh37 (hg19) VCF-style: chr6-33272371-C-A.
Other names: c.913G>T, p.Ala305Ser (NM_001410875.1, NM_172208.3); c.652G>T, p.Ala218Ser (NM_172209.3); short protein forms A218S, A305S.
Identifiers: ClinVar variation 3804183 (VCV003804183.2).

ClinVar aggregate classification (germline): Uncertain significance. Review status: criteria provided, multiple submitters, no conflicts (2 of 4 stars). 2 submissions from 2 submitters: Uncertain significance (2). Last evaluated 2025-05-24.

Conditions:
MHC class I deficiency. Identifiers: Orphanet 34592, MedGen C6024714, MONDO:0011476.

gnomAD v4.1: 23 of 1,596,080 alleles (0.0014%); highest among the groups gnomAD compares: Non-Finnish European, 0.002%; no homozygotes.

Submissions (2):

Labcorp Genetics (formerly Invitae), Labcorp
Classification: Uncertain significance for MHC class I deficiency 1. Last evaluated: 2025-05-24. Review status: criteria provided, single submitter. Criteria: Invitae Variant Classification Sherloc (09022015). Collection method: clinical testing. Allele origin: germline.
Comment: This sequence change replaces alanine, which is neutral and non-polar, with serine, which is neutral and polar, at codon 305 of the TAPBP protein (p.Ala305Ser). This variant is not present in population databases (gnomAD no frequency). This variant has not been reported in the literature in individuals affected with TAPBP-related conditions. ClinVar contains an entry for this variant (Variation ID: 3804183). An algorithm developed to predict the effect of missense changes on protein structure and function (PolyPhen-2) suggests that this variant is likely to be tolerated. In summary, the available evidence is currently insufficient to determine the role of this variant in disease. Therefore, it has been classified as a Variant of Uncertain Significance.

Ambry Genetics
Classification: Uncertain significance. Last evaluated: 2025-02-25. Review status: criteria provided, single submitter. Criteria: Ambry Variant Classification Scheme 2023. Collection method: clinical testing. Allele origin: germline.